The following is an entry in ClinVar:

NM_005732.4(RAD50):c.1488T>A (p.Asn496Lys)

Gene: RAD50 (RAD50 double strand break repair protein; plus strand). Cytogenetic location: 5q31.1.
Variant type: single nucleotide variant.
Coding change: c.1488T>A on transcript NM_005732.4 (MANE Select); coding-DNA position 1488, T replaced by A.
Protein change: p.Asn496Lys; replaces asparagine 496 with lysine.
Molecular consequence: missense variant.
Genome position (GRCh38, 1-based): chr5:132,591,259, T>A. VCF-style: chr5-132591259-T-A. GRCh37 (hg19) VCF-style: chr5-131926951-T-A.
Other names: short protein forms N496K.
Identifiers: ClinVar variation 2817155 (VCV002817155.3), dbSNP rs760093523, ClinGen allele CA360945556.

ClinVar aggregate classification (germline): Uncertain significance (1 of 4 stars; one submission).

Conditions:
Hereditary cancer-predisposing syndrome. Also called: Neoplastic Syndromes, Hereditary; Tumor predisposition; Hereditary Cancer Syndrome; Hereditary neoplastic syndrome. Identifiers: Orphanet 140162, MedGen C0027672, MeSH D009386, MONDO:0015356.

Submission:

Labcorp Genetics (formerly Invitae), Labcorp
Classification: Uncertain significance for Hereditary cancer-predisposing syndrome. Last evaluated: 2022-11-28. Review status: criteria provided, single submitter. Criteria: Invitae Variant Classification Sherloc (09022015). Collection method: clinical testing. Allele origin: germline.
Comment: This sequence change replaces asparagine, which is neutral and polar, with lysine, which is basic and polar, at codon 496 of the RAD50 protein (p.Asn496Lys). This variant is not present in population databases (gnomAD no frequency). This variant has not been reported in the literature in individuals affected with RAD50-related conditions. Advanced modeling of protein sequence and biophysical properties (such as structural, functional, and spatial information, amino acid conservation, physicochemical variation, residue mobility, and thermodynamic stability) performed at Invitae indicates that this missense variant is not expected to disrupt RAD50 protein function. In summary, the available evidence is currently insufficient to determine the role of this variant in disease. Therefore, it has been classified as a Variant of Uncertain Significance.